The following is an entry in ClinVar:

ClinVar aggregate classification (germline): Uncertain significance (1 of 4 stars; one submission).

gnomAD v4.1: 1 of 1,513,856 alleles (0.000066%); highest among the groups gnomAD compares: Non-Finnish European, 0.000089%; no homozygotes.

Submission:

Labcorp Genetics (formerly Invitae), Labcorp
Classification: Uncertain significance. Last evaluated: 2026-01-19. Review status: criteria provided, single submitter. Criteria: Invitae Variant Classification Sherloc (09022015). Collection method: clinical testing. Allele origin: germline.
Comment: This sequence change replaces proline, which is neutral and non-polar, with leucine, which is neutral and non-polar, at codon 786 of the MKL1 protein (p.Pro786Leu). This variant is not present in population databases (gnomAD no frequency). This variant has not been reported in the literature in individuals affected with MKL1-related conditions. ClinVar contains an entry for this variant (Variation ID: 1682933). An algorithm developed to predict the effect of missense changes on protein structure and function outputs the following: PolyPhen-2: "Probably Damaging". The leucine amino acid residue is found in multiple mammalian species, which suggests that this missense change does not adversely affect protein function. In summary, the available evidence is currently insufficient to determine the role of this variant in disease. Therefore, it has been classified as a Variant of Uncertain Significance.

NM_020831.6(MRTFA):c.2657C>T (p.Pro886Leu)

Gene: MRTFA (myocardin related transcription factor A; minus strand). Cytogenetic location: 22q13.1.
Variant type: single nucleotide variant.
Coding change: c.2657C>T on transcript NM_020831.6 (MANE Select); coding-DNA position 2657, C replaced by T.
Protein change: p.Pro886Leu; replaces proline 886 with leucine.
Molecular consequence: missense variant. On other transcripts: synonymous variant (1).
Genome position (GRCh38, 1-based): chr22:40,411,829, G>A on the plus strand (C>T on the coding strand, the complement: MRTFA is on the minus strand). VCF-style: chr22-40411829-G-A. GRCh37 (hg19) VCF-style: chr22-40807833-G-A.
Other names: c.2357C>T, p.Pro786Leu (NM_001282660.2); c.2507C>T, p.Pro836Leu (NM_001282661.3); c.2667C>T, p.Pro889= (NM_001282662.3); c.2462C>T, p.Pro821Leu (NM_001318139.2); short protein forms P786L, P821L, P836L, P886L.
Identifiers: ClinVar variation 1682933 (VCV001682933.6), dbSNP rs2147048514, ClinGen allele CA411653994.
Genomic context (GRCh38, chr22:40,411,829, plus strand): 5'-CCTGGAGGAGGTGGGGCAGCCTGGGGGAGCTCAGCAGAAGGTGATGGCTGTGCTGCCAGG[G>A]GGGACCCACAGACTGTCTTCGGGGATGGCTTCTCCTTCCCTGGCAGGGATGGCGGCTCCT-3'
Protein context (NP_065882.2, residues 876-896): KPSPKTVCGS[Pro886Leu]LAAQPSPSAE